The following is an entry in ClinVar:

ClinVar aggregate classification (germline): Uncertain significance (1 of 4 stars; one submission).

Allele frequency attached by ClinVar (database versions not stated): TOPMed below 0.00001; ExAC 0.00001; gnomAD 0.00001 and 0.00002; gnomAD exomes 0.00001; 1000 Genomes Project 0.00020; 1000 Genomes Project 30x 0.00031.
gnomAD v4.1: 10 of 1,613,976 alleles (0.00062%); highest among the groups gnomAD compares: South Asian, 0.0055%; no homozygotes.

Submission:

GeneDx
Classification: Uncertain significance. Last evaluated: 2020-12-18. Review status: criteria provided, single submitter. Criteria: GeneDx Variant Classification Process June 2021. Collection method: clinical testing. Allele origin: germline. Affected: yes.
Comment: In silico analysis supports that this missense variant has a deleterious effect on protein structure/function; Has not been previously published as pathogenic or benign to our knowledge

NM_003482.4(KMT2D):c.1100C>T (p.Pro367Leu)

Gene: KMT2D (lysine methyltransferase 2D; minus strand). Cytogenetic location: 12q13.12.
Variant type: single nucleotide variant.
Coding change: c.1100C>T on transcript NM_003482.4 (MANE Select); coding-DNA position 1100, C replaced by T.
Protein change: p.Pro367Leu; replaces proline 367 with leucine.
Molecular consequence: missense variant.
Genome position (GRCh38, 1-based): chr12:49,052,927, G>A on the plus strand (C>T on the coding strand, the complement: KMT2D is on the minus strand). VCF-style: chr12-49052927-G-A. GRCh37 (hg19) VCF-style: chr12-49446710-G-A.
Other names: short protein forms P367L.
Identifiers: ClinVar variation 1192069 (VCV001192069.2), dbSNP rs547979245, ClinGen allele CA6548578.
Genomic context (GRCh38, chr12:49,052,927, plus strand): 5'-AGTTCTTCCAACCTGCCAGCCCAATCTCAGTCAGTCCCCACCACTTACCTGCTACACACC[G>A]GGGTATGCTGCTCAGCAACGGAGCGGATAGTCTGACCTCCCTGGGCTTTGTGACAGCGGT-3'
Protein context (NP_003473.3, residues 357-377): TIRSVAEQHT[Pro367Leu]VCSRFSPPEP